The following is an entry in ClinVar:

ClinVar aggregate classification (germline): Uncertain significance (1 of 4 stars; one submission).

Conditions:
LAMA2-related muscular dystrophy (LAMA2-RD). Also called: Laminin alpha 2-related dystrophy. Identifiers: MedGen C5679788, MONDO:0100228.

Submission:

Labcorp Genetics (formerly Invitae), Labcorp
Classification: Uncertain significance for LAMA2-related muscular dystrophy. Last evaluated: 2022-05-16. Review status: criteria provided, single submitter. Criteria: Invitae Variant Classification Sherloc (09022015). Collection method: clinical testing. Allele origin: germline.
Comment: This variant is not present in population databases (gnomAD no frequency). Advanced modeling of protein sequence and biophysical properties (such as structural, functional, and spatial information, amino acid conservation, physicochemical variation, residue mobility, and thermodynamic stability) performed at Invitae indicates that this missense variant is not expected to disrupt LAMA2 protein function. This variant has not been reported in the literature in individuals affected with LAMA2-related conditions. In summary, the available evidence is currently insufficient to determine the role of this variant in disease. Therefore, it has been classified as a Variant of Uncertain Significance. This sequence change replaces serine, which is neutral and polar, with arginine, which is basic and polar, at codon 570 of the LAMA2 protein (p.Ser570Arg).

NM_000426.4(LAMA2):c.1708A>C (p.Ser570Arg)

Gene: LAMA2 (laminin subunit alpha 2; plus strand). Cytogenetic location: 6q22.33.
Variant type: single nucleotide variant.
Coding change: c.1708A>C on transcript NM_000426.4 (MANE Select); coding-DNA position 1708, A replaced by C.
Protein change: p.Ser570Arg; replaces serine 570 with arginine.
Molecular consequence: missense variant.
Genome position (GRCh38, 1-based): chr6:129,192,779, A>C. VCF-style: chr6-129192779-A-C. GRCh37 (hg19) VCF-style: chr6-129513924-A-C.
Other names: c.1708A>C, p.Ser570Arg (NM_001079823.2); short protein forms S570R.
Identifiers: ClinVar variation 1995341 (VCV001995341.4), dbSNP rs2482776650, ClinGen allele CA365608293.
Genomic context (GRCh38, chr6:129,192,779, plus strand): 5'-GGCCGCATTCGAGTGGCTCCCCAGCAGGACGACTTGGACTCACCTCAGCAGATCAGCATC[A>C]GTAACGCGGAGGCCCGGCAAGCCCTGCCGCACAGCTACTACTGGAGCGCGCCGGCTCCCT-3'
Protein context (NP_000417.3, residues 560-580): DLDSPQQISI[Ser570Arg]NAEARQALPH